The following is an entry in ClinVar:

NM_000350.3(ABCA4):c.2822G>T (p.Cys941Phe)

Gene: ABCA4 (ATP binding cassette subfamily A member 4; minus strand). Cytogenetic location: 1p22.1.
Variant type: single nucleotide variant.
Coding change: c.2822G>T on transcript NM_000350.3 (MANE Select); coding-DNA position 2822, G replaced by T.
Protein change: p.Cys941Phe; replaces cysteine 941 with phenylalanine.
Molecular consequence: missense variant.
Genome position (GRCh38, 1-based): chr1:94,047,015, C>A on the plus strand (G>T on the coding strand, the complement: ABCA4 is on the minus strand). VCF-style: chr1-94047015-C-A. GRCh37 (hg19) VCF-style: chr1-94512571-C-A.
Other names: c.2600G>T, p.Cys867Phe (NM_001425324.1); short protein forms C941F, C867F.
Identifiers: ClinVar variation 1009650 (VCV001009650.6), dbSNP rs113503406, ClinGen allele CA958145.

ClinVar aggregate classification (germline): Uncertain significance (1 of 4 stars; one submission).

Allele frequency attached by ClinVar (database versions not stated): ExAC 0.00001.
gnomAD v4.1: 2 of 1,614,134 alleles (0.00012%); highest among the groups gnomAD compares: Admixed American, 0.0017%; no homozygotes.

Submission:

Labcorp Genetics (formerly Invitae), Labcorp
Classification: Uncertain significance. Last evaluated: 2021-09-20. Review status: criteria provided, single submitter. Criteria: Invitae Variant Classification Sherloc (09022015). Collection method: clinical testing. Allele origin: germline.
Comment: This sequence change replaces cysteine with phenylalanine at codon 941 of the ABCA4 protein (p.Cys941Phe). The cysteine residue is weakly conserved and there is a large physicochemical difference between cysteine and phenylalanine. This variant is present in population databases (rs113503406, ExAC 0.009%). This variant has not been reported in the literature in individuals affected with ABCA4-related conditions. Algorithms developed to predict the effect of missense changes on protein structure and function output the following: SIFT: "Tolerated"; PolyPhen-2: "Benign"; Align-GVGD: "Class C0". The phenylalanine amino acid residue is found in multiple mammalian species, which suggests that this missense change does not adversely affect protein function. In summary, the available evidence is currently insufficient to determine the role of this variant in disease. Therefore, it has been classified as a Variant of Uncertain Significance.